The following is an entry in ClinVar:

ClinVar aggregate classification (germline): Pathogenic (1 of 4 stars; one submission).

Submission:

GeneDx
Classification: Pathogenic. Last evaluated: 2026-01-23. Review status: criteria provided, single submitter. Criteria: GeneDx Variant Classification Process June 2021. Collection method: clinical testing. Allele origin: germline.
Comment: Frameshift variant predicted to result in abnormal protein length as the last 80 amino acid(s) are replaced with 78 different amino acid(s), and other similar variants have been reported in HGMD; Not observed at significant frequency in large population cohorts (gnomAD); Has not been previously published as pathogenic or benign to our knowledge

NM_001451.3(FOXF1):c.898del (p.Leu300fs)

Gene: FOXF1 (forkhead box F1; plus strand). Cytogenetic location: 16q24.1.
Variant type: Deletion.
Coding change: c.898del on transcript NM_001451.3 (MANE Select); coding-DNA position 898, one base deleted (C; older notation c.898delC).
Protein change: p.Leu300fs; shifts the reading frame from leucine 300.
Molecular consequence: frameshift variant.
Genome position (GRCh38, 1-based): chr16:86,511,467, C deleted; the last of 5 consecutive C bases (chr16:86,511,463-86,511,467); deleting any one gives the same sequence. VCF-style (leftmost placement, unchanged base first): chr16-86511462-AC-A. GRCh37 (hg19) VCF-style: chr16-86545068-AC-A.
Other names: short protein forms L300fs.
Identifiers: ClinVar variation 4975086 (VCV004975086.1).
Genomic context (GRCh38, chr16:86,511,462, plus strand): 5'-TCAACAGCGGCGCCTCTTATATCAAGCAGCAGCCCCTGTCCCCCTGTAACCCCGCGGCCA[AC>A]CCCCTGTCCGGCAGCCTCTCCACGCACTCCCTGGAGCAGCCGTATCTGCACCAGAACAGC-3'